The following is an entry in ClinVar:

ClinVar aggregate classification (germline): Uncertain significance (1 of 4 stars; one submission).

Submission:

Labcorp Genetics (formerly Invitae), Labcorp
Classification: Uncertain significance. Last evaluated: 2022-07-19. Review status: criteria provided, single submitter. Criteria: Invitae Variant Classification Sherloc (09022015). Collection method: clinical testing. Allele origin: germline.
Comment: Experimental studies and prediction algorithms are not available or were not evaluated, and the functional significance of this variant is currently unknown. In summary, the available evidence is currently insufficient to determine the role of this variant in disease. Therefore, it has been classified as a Variant of Uncertain Significance. ClinVar contains an entry for this variant (Variation ID: 1015682). This variant has not been reported in the literature in individuals affected with GRM6-related conditions. This variant is not present in population databases (gnomAD no frequency). This variant, c.33_74del, results in the deletion of 14 amino acid(s) of the GRM6 protein (p.Val13_Leu26del), but otherwise preserves the integrity of the reading frame.

NM_000843.4(GRM6):c.33_74del (p.Val13_Leu26del)

Gene: GRM6 (glutamate metabotropic receptor 6; minus strand). Cytogenetic location: 5q35.3.
Variant type: Deletion.
Coding change: c.33_74del on transcript NM_000843.4 (MANE Select); coding-DNA positions 33 to 74, 42 bases deleted.
Protein change: p.Val13_Leu26del.
Molecular consequence: inframe deletion.
Genome position (GRCh38, 1-based): chr5:178,994,871-178,994,912, 42 bases deleted. GRCh37 (hg19): chr5:178,421,872-178,421,913.
Identifiers: ClinVar variation 1015682 (VCV001015682.10), dbSNP rs1760746029, ClinGen allele CA2497130610.
Genomic context (GRCh38, chr5:178,994,870, plus strand): 5'-GAACAGGCCGCCCAGCGTCAGGCCGCCCGCCAGGCGCACAGAGCCCGCCGCGCGCGCCAG[GCCCGCCTGCGCCAGCCACGCCAGCGGCAGCAGCGCCACGAGC>G]AGCGGCTCCCGGGCTCTCCGGGGCCGCGCCATCGGCTCGTCTAGCGGGCTGCGGGGAGAC-3'